The following is an entry in ClinVar:

NM_001098816.3(TENM4):c.2789C>T (p.Thr930Ile)

Gene: TENM4 (teneurin transmembrane protein 4; minus strand). Cytogenetic location: 11q14.1.
Variant type: single nucleotide variant.
Coding change: c.2789C>T on transcript NM_001098816.3 (MANE Select); coding-DNA position 2789, C replaced by T.
Protein change: p.Thr930Ile; replaces threonine 930 with isoleucine.
Molecular consequence: missense variant.
Genome position (GRCh38, 1-based): chr11:78,738,538, G>A on the plus strand (C>T on the coding strand, the complement: TENM4 is on the minus strand). VCF-style: chr11-78738538-G-A. GRCh37 (hg19) VCF-style: chr11-78449583-G-A.
Other names: p.Thr930Ile; short protein forms T930I.
Identifiers: ClinVar variation 773250 (VCV000773250.30), dbSNP rs76283314, ClinGen allele CA6207198.

ClinVar aggregate classification (germline): Benign. Review status: criteria provided, multiple submitters, no conflicts (2 of 4 stars). 5 submissions from 5 submitters: Benign (4). 1 of the submissions does not count toward it. Last evaluated 2026-09-01.

Conditions:
TENM4-related disorder. Also called: TENM4-related condition.

Allele frequency attached by ClinVar (database versions not stated): 1000 Genomes Project 0.00359; 1000 Genomes Project 30x 0.00422; ExAC 0.00758; gnomAD exomes 0.00758; gnomAD 0.00774 and 0.00832; ESP Exome Variant Server 0.00824; TOPMed 0.00847.
gnomAD v4.1: 14,683 of 1,613,814 alleles (0.91%); highest among the groups gnomAD compares: Non-Finnish European, 1.1%; 78 homozygotes.

Submissions (5):

CeGaT Center for Human Genetics Tuebingen
Classification: Benign. Last evaluated: 2026-09-01. Review status: criteria provided, single submitter. Criteria: CeGaT Center For Human Genetics Tuebingen Variant Classification Criteria Version 2. Collection method: clinical testing. Allele origin: germline. Affected: yes. Observed: 20 variant alleles.
Comment: TENM4: BS1, BS2

Mayo Clinic Laboratories, Mayo Clinic
Classification: Benign. Last evaluated: 2023-02-22. Review status: criteria provided, single submitter. Criteria: ACMG Guidelines, 2015. Collection method: clinical testing. Allele origin: germline. Observed: 11 variant alleles.
Comment: BS1, BS2

Labcorp Genetics (formerly Invitae), Labcorp
Classification: Benign. Last evaluated: 2019-12-31. Review status: criteria provided, single submitter. Criteria: Invitae Variant Classification Sherloc (09022015). Collection method: clinical testing. Allele origin: germline.

Breakthrough Genomics
Classification: Benign. Review status: criteria provided, single submitter. Criteria: ACMG Guidelines, 2015. Collection method: not provided. Allele origin: germline. Inheritance: Autosomal dominant inheritance. Affected: yes.

PreventionGenetics, part of Exact Sciences
Classification: Benign for TENM4-related condition. Last evaluated: 2019-06-07. Review status: no assertion criteria provided. Collection method: clinical testing. Allele origin: germline. Not counted in ClinVar's aggregate classification.
Comment: This variant is classified as benign based on ACMG/AMP sequence variant interpretation guidelines (Richards et al. 2015 PMID: 25741868, with internal and published modifications).